The following is an entry in ClinVar:

ClinVar aggregate classification (germline): Uncertain significance (1 of 4 stars; one submission).

Conditions:
Cardiovascular phenotype. Identifiers: MedGen CN230736.

Allele frequency attached by ClinVar (database versions not stated): gnomAD exomes below 0.00001; TOPMed below 0.00001; ExAC 0.00001.
gnomAD v4.1: 1 of 1,613,650 alleles (0.000062%); highest among the groups gnomAD compares: African/African-American, 0.0013%; no homozygotes.

Submission:

Ambry Genetics
Classification: Uncertain significance for Cardiovascular phenotype. Last evaluated: 2018-03-06. Review status: criteria provided, single submitter. Criteria: Ambry Variant Classification Scheme 2023. Collection method: clinical testing. Allele origin: germline.
Comment: The p.S3776C variant (also known as c.11327C>G), located in coding exon 46 of the AKAP9 gene, results from a C to G substitution at nucleotide position 11327. The serine at codon 3776 is replaced by cysteine, an amino acid with dissimilar properties. This amino acid position is highly conserved in available vertebrate species. In addition, this alteration is predicted to be tolerated by in silico analysis. Since supporting evidence is limited at this time, the clinical significance of this alteration remains unclear.

NM_005751.5(AKAP9):c.11327C>G (p.Ser3776Cys)

Gene: AKAP9 (A-kinase anchoring protein 9; plus strand). Cytogenetic location: 7q21.2.
Variant type: single nucleotide variant.
Coding change: c.11327C>G on transcript NM_005751.5 (MANE Select); coding-DNA position 11327, C replaced by G.
Protein change: p.Ser3776Cys; replaces serine 3776 with cysteine.
Molecular consequence: missense variant.
Genome position (GRCh38, 1-based): chr7:92,102,823, C>G. VCF-style: chr7-92102823-C-G. GRCh37 (hg19) VCF-style: chr7-91732137-C-G.
Other names: c.5972C>G, p.Ser1991Cys (NM_001379277.1); c.11303C>G, p.Ser3768Cys (NM_147185.3); short protein forms S3768C, S1991C, S3776C.
Identifiers: ClinVar variation 1728727 (VCV001728727.2), dbSNP rs754843357, ClinGen allele CA4338149.
Genomic context (GRCh38, chr7:92,102,823, plus strand): 5'-CCAATCGCCCAAAGGGCTTCACCAGGTTTCGGTCGGCCGTCAGAGTATCCATTGCAATTT[C>G]CAGGTAAAGACTTGAAGGAAAATGCATTTTACTAGTAGACTCTCTAAAAGGATTAGTTAT-3'
Protein context (NP_005742.4, residues 3766-3786): RSAVRVSIAI[Ser3776Cys]RMKFLVRRWH